The following is an entry in ClinVar:

NM_006035.4(CDC42BPB):c.1541C>T (p.Thr514Ile)

Gene: CDC42BPB (CDC42 binding protein kinase beta; minus strand). Cytogenetic location: 14q32.32.
Variant type: single nucleotide variant.
Coding change: c.1541C>T on transcript NM_006035.4 (MANE Select); coding-DNA position 1541, C replaced by T.
Protein change: p.Thr514Ile; replaces threonine 514 with isoleucine.
Molecular consequence: missense variant.
Genome position (GRCh38, 1-based): chr14:102,974,116, G>A on the plus strand (C>T on the coding strand, the complement: CDC42BPB is on the minus strand). VCF-style: chr14-102974116-G-A. GRCh37 (hg19) VCF-style: chr14-103440453-G-A.
Other names: c.1541C>T, p.Thr514Ile (NM_001411054.1); short protein forms T514I.
Identifiers: ClinVar variation 3233628 (VCV003233628.2), dbSNP rs143474150, ClinGen allele CA7361352.

ClinVar aggregate classification (germline): Uncertain significance (1 of 4 stars; one submission).

Allele frequency attached by ClinVar (database versions not stated): gnomAD exomes below 0.00001; ExAC 0.00003; TOPMed 0.00003; gnomAD 0.00004; ESP Exome Variant Server 0.00008.
gnomAD v4.1: 8 of 1,613,860 alleles (0.0005%); highest among the groups gnomAD compares: African/African-American, 0.011%; no homozygotes.

Submission:

Women's Health and Genetics/Laboratory Corporation of America, LabCorp
Classification: Uncertain significance. Last evaluated: 2024-03-28. Review status: criteria provided, single submitter. Criteria: LabCorp Variant Classification Summary - May 2015. Collection method: clinical testing. Allele origin: germline.
Comment: Variant summary: CDC42BPB c.1541C>T (p.Thr514Ile) results in a non-conservative amino acid change in the encoded protein sequence. Four of five in-silico tools predict a benign effect of the variant on protein function. The variant allele was found at a frequency of 1.6e-05 in 251070 control chromosomes. The available data on variant occurrences in the general population are insufficient to allow any conclusion about variant significance. To our knowledge, no occurrence of c.1541C>T in individuals affected with Chilton-Okur Neurodevelopmental Syndrome and no experimental evidence demonstrating its impact on protein function have been reported. No submitters have cited clinical-significance assessments for this variant to ClinVar. Based on the evidence outlined above, the variant was classified as uncertain significance.